The following is an entry in ClinVar:

NM_024753.5(TTC21B):c.1222A>G (p.Lys408Glu)

Gene: TTC21B (tetratricopeptide repeat domain 21B; minus strand). Cytogenetic location: 2q24.3.
Variant type: single nucleotide variant.
Coding change: c.1222A>G on transcript NM_024753.5 (MANE Select); coding-DNA position 1222, A replaced by G.
Protein change: p.Lys408Glu; replaces lysine 408 with glutamic acid.
Molecular consequence: missense variant.
Genome position (GRCh38, 1-based): chr2:165,929,299, T>C on the plus strand (A>G on the coding strand, the complement: TTC21B is on the minus strand). VCF-style: chr2-165929299-T-C. GRCh37 (hg19) VCF-style: chr2-166785809-T-C.
Other names: short protein forms K408E.
Identifiers: ClinVar variation 1469245 (VCV001469245.6), dbSNP rs2105343236, ClinGen allele CA349065538.
Genomic context (GRCh38, chr2:165,929,299, plus strand): 5'-AAAAGTGAGTGTCCAGGACATCATTTAACAAATTAATAACTTCTTCTTGTCGTTTATTTT[T>C]CTTCATGGCAAGAACTGCATGTAAATAGATTAATTCCTAGAAAATAAGTAGTTTTCATAA-3'
Protein context (NP_079029.3, residues 398-418): IYLHAVLAMK[Lys408Glu]NKRQEEVINL

ClinVar aggregate classification (germline): Uncertain significance (1 of 4 stars; one submission).

Conditions:
Jeune thoracic dystrophy. Also called: Jeune syndrome; Infantile thoracic dystrophy; Thoracic pelvic phalangeal dystrophy; Jeune's syndrome; Chondroectodermal dysplasia-like syndrome; Short-rib thoracic dysplasia. Identifiers: Orphanet 474, MedGen C0265275, MONDO:0018770.
Nephronophthisis. Also called: Juvenile Nephronophthisis. Identifiers: Orphanet 655, MedGen C0687120, MONDO:0019005, HP:0000090.

Allele frequency attached by ClinVar (database versions not stated): gnomAD exomes below 0.00001.
gnomAD v4.1: 1 of 1,612,100 alleles (0.000062%); highest among the groups gnomAD compares: South Asian, 0.0011%; no homozygotes.

Submission:

Labcorp Genetics (formerly Invitae), Labcorp
Classification: Uncertain significance for Jeune thoracic dystrophy; Nephronophthisis. Last evaluated: 2022-07-19. Review status: criteria provided, single submitter. Criteria: Invitae Variant Classification Sherloc (09022015). Collection method: clinical testing. Allele origin: germline.
Comment: In summary, the available evidence is currently insufficient to determine the role of this variant in disease. Therefore, it has been classified as a Variant of Uncertain Significance. Algorithms developed to predict the effect of missense changes on protein structure and function are either unavailable or do not agree on the potential impact of this missense change (SIFT: "Deleterious"; PolyPhen-2: "Benign"; Align-GVGD: "Class C0"). ClinVar contains an entry for this variant (Variation ID: 1469245). This variant has not been reported in the literature in individuals affected with TTC21B-related conditions. This variant is not present in population databases (gnomAD no frequency). This sequence change replaces lysine, which is basic and polar, with glutamic acid, which is acidic and polar, at codon 408 of the TTC21B protein (p.Lys408Glu).